The following is an entry in ClinVar:

ClinVar aggregate classification (germline): Benign/Likely benign. Review status: criteria provided, multiple submitters, no conflicts (2 of 4 stars). 3 submissions from 3 submitters: Benign (1); Likely benign (2). Last evaluated 2025-09-16.

Conditions:
Hereditary cancer-predisposing syndrome. Also called: Tumor predisposition; Hereditary Cancer Syndrome; Neoplastic Syndromes, Hereditary; Hereditary neoplastic syndrome. Identifiers: Orphanet 140162, MedGen C0027672, MeSH D009386, MONDO:0015356.
Familial cancer of breast. Also called: BREAST CANCER, FAMILIAL; Hereditary breast cancer; hereditary breast carcinoma. Identifiers: Orphanet 227535, MedGen C0346153, MONDO:0016419, OMIM 114480. Disease mechanism: loss of function.

Allele frequency attached by ClinVar (database versions not stated): gnomAD exomes below 0.00001.

Submissions (3):

Ambry Genetics
Classification: Likely benign for Hereditary cancer-predisposing syndrome. Last evaluated: 2025-09-16. Review status: criteria provided, single submitter. Criteria: Ambry Variant Classification Scheme 2023. Collection method: clinical testing. Allele origin: germline.

Labcorp Genetics (formerly Invitae), Labcorp
Classification: Likely benign for Familial cancer of breast. Last evaluated: 2025-06-04. Review status: criteria provided, single submitter. Criteria: Invitae Variant Classification Sherloc (09022015). Collection method: clinical testing. Allele origin: germline.

Myriad Genetics, Inc.
Classification: Benign for Familial cancer of breast. Last evaluated: 2024-07-24. Review status: criteria provided, single submitter. Criteria: Myriad Autosomal Dominant, Autosomal Recessive and X-Linked Classification Criteria (2023). Collection method: clinical testing. Allele origin: unknown.
Comment: This variant is considered benign. This variant is a silent/synonymous amino acid change and it is not expected to impact splicing.

NM_000465.4(BARD1):c.1293G>A (p.Leu431=)

Gene: BARD1 (BRCA1 associated RING domain 1; minus strand). Cytogenetic location: 2q35.
Variant type: single nucleotide variant.
Coding change: c.1293G>A on transcript NM_000465.4 (MANE Select); coding-DNA position 1293, G replaced by A.
Protein change: p.Leu431=; no amino-acid change (leucine 431 retained).
Molecular consequence: synonymous variant. On other transcripts: non-coding transcript variant (2), intron variant (3).
Genome position (GRCh38, 1-based): chr2:214,780,581, C>T on the plus strand (G>A on the coding strand, the complement: BARD1 is on the minus strand). VCF-style: chr2-214780581-C-T. GRCh37 (hg19) VCF-style: chr2-215645305-C-T.
Other names: c.1293G>A (NM_000465.2); c.1236G>A, p.Leu412= (NM_001282543.2); c.159-28026G>A (NM_001282548.2); c.215+16480G>A (NM_001282545.2); c.364+11716G>A (NM_001282549.2).
Identifiers: ClinVar variation 1608727 (VCV001608727.11), dbSNP rs1469464372, ClinGen allele CA431390959.